The following is an entry in ClinVar:

ClinVar aggregate classification (germline): Conflicting classifications of pathogenicity. Review status: criteria provided, conflicting classifications (1 of 4 stars). 17 submissions from 17 submitters: Uncertain significance (12); Likely benign (4). 1 of the submissions does not count toward it. Last evaluated 2026-09-01.

Conditions:
VPS13B-related disorder. Also called: VPS13B-related condition.
Inborn genetic diseases. Identifiers: MedGen C0950123, MeSH D030342.
Cohen syndrome (COH1). Also called: PEPPER SYNDROME; Cutis verticis gyrata, retinitis pigmentosa, and sensorineural deafness. Identifiers: Orphanet 193, MedGen C0265223, MONDO:0008999, OMIM 216550.

Allele frequency attached by ClinVar (database versions not stated): 1000 Genomes Project 30x 0.00062; gnomAD 0.00111 and 0.00107; TOPMed 0.00122; ExAC 0.00124; 1000 Genomes Project 0.00060; ESP Exome Variant Server 0.00131.
gnomAD v4.1: 2,391 of 1,610,354 alleles (0.15%); highest among the groups gnomAD compares: Non-Finnish European, 0.16%; 3 homozygotes.

Submissions (17):

CeGaT Center for Human Genetics Tuebingen
Classification: Likely benign. Last evaluated: 2026-09-01. Review status: criteria provided, single submitter. Criteria: CeGaT Center For Human Genetics Tuebingen Variant Classification Criteria Version 2. Collection method: clinical testing. Allele origin: germline. Affected: yes. Observed: 3 variant alleles.
Comment: VPS13B: BS2

Labcorp Genetics (formerly Invitae), Labcorp
Classification: Likely benign for Cohen syndrome. Last evaluated: 2026-02-02. Review status: criteria provided, single submitter. Criteria: Invitae Variant Classification Sherloc (09022015). Collection method: clinical testing. Allele origin: germline.

Blueprint Genetics
Classification: Likely benign. Last evaluated: 2024-11-15. Review status: criteria provided, single submitter. Criteria: ACMG Guidelines, 2015. Collection method: clinical testing. Allele origin: germline.

Laboratoire de Génétique Moléculaire, CHU Bordeaux
Classification: Likely benign. Last evaluated: 2023-12-05. Review status: criteria provided, single submitter. Criteria: ACMG Guidelines, 2015. Collection method: clinical testing. Allele origin: germline. Affected: yes.

Department of Pathology and Laboratory Medicine, Sinai Health System
Classification: Uncertain significance for Cohen syndrome. Last evaluated: 2023-04-26. Review status: criteria provided, single submitter. Criteria: ACMG Guidelines, 2015. Collection method: research. Allele origin: germline.

New York Genome Center
Classification: Uncertain significance for Cohen syndrome. Last evaluated: 2022-04-11. Review status: criteria provided, single submitter. Criteria: NYGC Assertion Criteria 2020. Collection method: clinical testing. Allele origin: germline. Observed: 1 heterozygote.

Institute for Clinical Genetics, University Hospital TU Dresden, University Hospital TU Dresden
Classification: Uncertain significance. Last evaluated: 2021-11-03. Review status: criteria provided, single submitter. Criteria: ACMG Guidelines, 2015. Collection method: clinical testing. Allele origin: germline.

Genome-Nilou Lab
Classification: Uncertain significance for Cohen syndrome. Last evaluated: 2021-05-18. Review status: criteria provided, single submitter. Criteria: ACMG Guidelines, 2015. Collection method: clinical testing. Allele origin: germline. Affected: no.

Center for Genomics, Ann and Robert H. Lurie Children's Hospital of Chicago
Classification: Uncertain significance for Cohen syndrome. Last evaluated: 2021-03-30. Review status: criteria provided, single submitter. Criteria: ACMG Guidelines, 2015. Collection method: clinical testing. Allele origin: germline.
Comment: VPS13B NM_152564.4 exon 9 p.Gln416His (c.1248G>T): This variant has not been reported in the literature but is present in 0.4% (45/10348) of Ashkenazi Jewish alleles in the Genome Aggregation Database). This variant is present in ClinVar (Variation ID:95831). Evolutionary conservation and computational predictive tools suggest that this variant may impact the protein. In summary, data on this variant is insufficient for disease classification. Therefore, the clinical significance of this variant is uncertain.

GeneDx
Classification: Uncertain significance. Last evaluated: 2020-04-21. Review status: criteria provided, single submitter. Criteria: GeneDx Variant Classification Process June 2021. Collection method: clinical testing. Allele origin: germline. Affected: yes.
Comment: Identified as heterozygous via exome sequencing in a sibling of an individual with autism (Yu et al., 2013); Identified as heterozgyous via exome sequencing for carrier screening for autosomal recessive conditions in a healthy individual (Mehrjoo et al., 2015); In silico analysis supports that this missense variant has a deleterious effect on protein structure/function; This variant is associated with the following publications: (PMID: 26443248, 23352163)

Baylor Genetics
Classification: Uncertain significance for Cohen syndrome. Last evaluated: 2018-03-20. Review status: criteria provided, single submitter. Criteria: ACMG Guidelines, 2015. Collection method: clinical testing. Allele origin: maternal. Affected: yes.
Comment: This variant was determined to be of uncertain significance according to ACMG Guidelines, 2015 [PMID:25741868].

Ambry Genetics
Classification: Uncertain significance for Inborn genetic diseases. Last evaluated: 2018-01-30. Review status: criteria provided, single submitter. Criteria: Ambry Variant Classification Scheme 2023. Collection method: clinical testing. Allele origin: germline.
Comment: The p.Q416H variant (also known as c.1248G>T), located in coding exon 8 of the VPS13B gene, results from a G to T substitution at nucleotide position 1248. The glutamine at codon 416 is replaced by histidine, an amino acid with highly similar properties. This amino acid position is highly conserved in available vertebrate species. In addition, the in silico prediction for this alteration is inconclusive. Since supporting evidence is limited at this time, the clinical significance of this alteration remains unclear.

Athena Diagnostics
Classification: Uncertain significance. Last evaluated: 2017-10-25. Review status: criteria provided, single submitter. Criteria: Athena Diagnostics Criteria. Collection method: clinical testing. Allele origin: germline.

Illumina Laboratory Services, Illumina
Classification: Uncertain significance for Cohen syndrome. Last evaluated: 2017-04-27. Review status: criteria provided, single submitter. Criteria: ICSL Variant Classification Criteria 13 December 2019. Collection method: clinical testing. Allele origin: germline.
Comment: This variant was observed as part of a predisposition screen in an ostensibly healthy population. A literature search was performed for the gene, cDNA change, and amino acid change (where applicable). Publications were found based on this search. However, the evidence from the literature, in combination with allele frequency data from public databases where available, was not sufficient to rule this variant in or out of causing disease. Therefore, this variant is classified as a variant of unknown significance.

Genetic Services Laboratory, University of Chicago
Classification: Uncertain significance. Last evaluated: 2016-06-24. Review status: criteria provided, single submitter. Criteria: ACMG Guidelines, 2015. Collection method: clinical testing. Allele origin: germline. Affected: no.

Eurofins Ntd Llc (ga)
Classification: Uncertain significance. Last evaluated: 2014-12-20. Review status: criteria provided, single submitter. Criteria: EGL Classification Definitions 2015. Collection method: clinical testing. Allele origin: germline. Observed: 5 variant alleles, 5 heterozygotes.

PreventionGenetics, part of Exact Sciences
Classification: Likely benign for VPS13B-related condition. Last evaluated: 2021-09-02. Review status: no assertion criteria provided. Collection method: clinical testing. Allele origin: germline. Not counted in ClinVar's aggregate classification.
Comment: This variant is classified as likely benign based on ACMG/AMP sequence variant interpretation guidelines (Richards et al. 2015 PMID: 25741868, with internal and published modifications).

Literature cited by the submitters: PubMed 26443248 (cited by Athena Diagnostics and Illumina Laboratory Services, Illumina); PubMed 23352163 (cited by Athena Diagnostics).

NM_152564.5(VPS13B):c.1248G>T (p.Gln416His)

Gene: VPS13B (vacuolar protein sorting 13 homolog B; plus strand). Cytogenetic location: 8q22.2.
Variant type: single nucleotide variant.
Coding change: c.1248G>T on transcript NM_152564.5 (MANE Select); coding-DNA position 1248, G replaced by T.
Protein change: p.Gln416His; replaces glutamine 416 with histidine.
Molecular consequence: missense variant.
Genome position (GRCh38, 1-based): chr8:99,134,673, G>T. VCF-style: chr8-99134673-G-T. GRCh37 (hg19) VCF-style: chr8-100146901-G-T.
Other names: c.1248G>T (NM_152564.4); c.1248G>T, p.Gln416His (NM_015243.3, NM_017890.5); short protein forms Q416H.
Identifiers: ClinVar variation 95831 (VCV000095831.52), dbSNP rs143024324, ClinGen allele CA223364.